The following is an entry in ClinVar:

NM_000301.5(PLG):c.289A>C (p.Lys97Gln)

Gene: PLG (plasminogen; plus strand). Cytogenetic location: 6q26.
Variant type: single nucleotide variant.
Coding change: c.289A>C on transcript NM_000301.5 (MANE Select); coding-DNA position 289, A replaced by C.
Protein change: p.Lys97Gln; replaces lysine 97 with glutamine.
Molecular consequence: missense variant.
Genome position (GRCh38, 1-based): chr6:160,707,803, A>C. VCF-style: chr6-160707803-A-C. GRCh37 (hg19) VCF-style: chr6-161128835-A-C.
Other names: c.289A>C, p.Lys97Gln (NM_001168338.1); short protein forms K97Q.
Identifiers: ClinVar variation 2066196 (VCV002066196.7), dbSNP rs750930821, ClinGen allele CA4087366.

ClinVar aggregate classification (germline): Uncertain significance. Review status: criteria provided, multiple submitters, no conflicts (2 of 4 stars). 2 submissions from 2 submitters: Uncertain significance (2). Last evaluated 2025-04-21.

Allele frequency attached by ClinVar (database versions not stated): gnomAD 0.00001; gnomAD exomes 0.00002; ExAC 0.00007.
gnomAD v4.1: 34 of 1,608,894 alleles (0.0021%); highest among the groups gnomAD compares: Admixed American, 0.022%; no homozygotes.

Submissions (2):

Women's Health and Genetics/Laboratory Corporation of America, LabCorp
Classification: Uncertain significance. Last evaluated: 2025-04-21. Review status: criteria provided, single submitter. Criteria: LabCorp Variant Classification Summary - May 2015. Collection method: clinical testing. Allele origin: germline.
Comment: Variant summary: PLG c.289A>C (p.Lys97Gln) results in a conservative amino acid change located in the PAN/Apple domain (IPR003609) of the encoded protein sequence. Three of five in-silico tools predict a benign effect of the variant on protein function. The variant allele was found at a frequency of 5.6e-05 in 251102 control chromosomes. This frequency is not significantly higher than estimated for a pathogenic variant in PLG causing Plasminogen Deficiency (5.6e-05 vs 0.0011), allowing no conclusion about variant significance. To our knowledge, no occurrence of c.289A>C in individuals affected with Plasminogen Deficiency and no experimental evidence demonstrating its impact on protein function have been reported. ClinVar contains an entry for this variant (Variation ID: 2066196). Based on the evidence outlined above, the variant was classified as uncertain significance.

Labcorp Genetics (formerly Invitae), Labcorp
Classification: Uncertain significance. Last evaluated: 2024-07-23. Review status: criteria provided, single submitter. Criteria: Invitae Variant Classification Sherloc (09022015). Collection method: clinical testing. Allele origin: germline.
Comment: This sequence change replaces lysine, which is basic and polar, with glutamine, which is neutral and polar, at codon 97 of the PLG protein (p.Lys97Gln). This variant is present in population databases (rs750930821, gnomAD 0.03%). This variant has not been reported in the literature in individuals affected with PLG-related conditions. ClinVar contains an entry for this variant (Variation ID: 2066196). Advanced modeling of protein sequence and biophysical properties (such as structural, functional, and spatial information, amino acid conservation, physicochemical variation, residue mobility, and thermodynamic stability) performed at Invitae indicates that this missense variant is not expected to disrupt PLG protein function with a negative predictive value of 95%. In summary, the available evidence is currently insufficient to determine the role of this variant in disease. Therefore, it has been classified as a Variant of Uncertain Significance.